The following is an entry in ClinVar:

ClinVar aggregate classification (germline): Likely benign. Review status: criteria provided, single submitter (1 of 4 stars). 2 submissions from 2 submitters: Likely benign (1). 1 of the submissions does not count toward it. Last evaluated 2023-03-01.

Conditions:
DMBT1-related disorder. Also called: DMBT1-related condition.

Allele frequency attached by ClinVar (database versions not stated): 1000 Genomes Project 30x 0.00047; TOPMed 0.00052; 1000 Genomes Project 0.00060; ESP Exome Variant Server 0.00063; gnomAD 0.00169; ExAC 0.00187.
gnomAD v4.1: 1,947 of 1,614,044 alleles (0.12%); highest among the groups gnomAD compares: Non-Finnish European, 0.086%; 7 homozygotes.

Submissions (2):

CeGaT Center for Human Genetics Tuebingen
Classification: Likely benign. Last evaluated: 2023-03-01. Review status: criteria provided, single submitter. Criteria: CeGaT Center For Human Genetics Tuebingen Variant Classification Criteria Version 2. Collection method: clinical testing. Allele origin: germline. Affected: yes. Observed: 1 variant allele.
Comment: DMBT1: BP4

PreventionGenetics, part of Exact Sciences
Classification: Benign for DMBT1-related condition. Last evaluated: 2019-07-31. Review status: no assertion criteria provided. Collection method: clinical testing. Allele origin: germline. Not counted in ClinVar's aggregate classification.
Comment: This variant is classified as benign based on ACMG/AMP sequence variant interpretation guidelines (Richards et al. 2015 PMID: 25741868, with internal and published modifications).

NM_001377530.1(DMBT1):c.7024C>T (p.Arg2342Cys)

Genes: DMBT1 (deleted in malignant brain tumors 1; plus strand), LOC126861068 (BRD4-independent group 4 enhancer GRCh37_chr10:124398858-124400057; plus strand). Cytogenetic location: 10q26.13.
Variant type: single nucleotide variant.
Coding change: c.7024C>T on transcript NM_001377530.1 (MANE Select); coding-DNA position 7024, C replaced by T.
Protein change: p.Arg2342Cys; replaces arginine 2342 with cysteine.
Molecular consequence: missense variant.
Genome position (GRCh38, 1-based): chr10:122,640,121, C>T. VCF-style: chr10-122640121-C-T. GRCh37 (hg19) VCF-style: chr10-124399637-C-T.
Other names: c.6637C>T (NM_007329.2); c.6634C>T, p.Arg2212Cys (NM_001320644.2); c.4753C>T, p.Arg1585Cys (NM_004406.3); c.6637C>T, p.Arg2213Cys (NM_007329.3); c.6607C>T, p.Arg2203Cys (NM_017579.3); short protein forms R1585C, R2203C, R2212C, R2213C, R2342C.
Identifiers: ClinVar variation 2640940 (VCV002640940.25), dbSNP rs190602319, ClinGen allele CA5728423.